The following is an entry in ClinVar:

NM_177438.3(DICER1):c.1144G>T (p.Glu382Ter)

Gene: DICER1 (dicer 1, ribonuclease III; minus strand). Cytogenetic location: 14q32.13.
Variant type: single nucleotide variant.
Coding change: c.1144G>T on transcript NM_177438.3 (MANE Select); coding-DNA position 1144, G replaced by T.
Protein change: p.Glu382Ter; replaces glutamic acid 382 with a stop codon.
Molecular consequence: nonsense.
Genome position (GRCh38, 1-based): chr14:95,124,428, C>A on the plus strand (G>T on the coding strand, the complement: DICER1 is on the minus strand). VCF-style: chr14-95124428-C-A. GRCh37 (hg19) VCF-style: chr14-95590765-C-A.
Other names: c.1144G>T, p.Glu382Ter (NM_001195573.1, NM_001271282.3, NM_001291628.2 and 1 more transcripts); short protein forms E382*.
Identifiers: ClinVar variation 254283 (VCV000254283.10), dbSNP rs886037667, ClinGen allele CA10586462.
Genomic context (GRCh38, chr14:95,124,428, plus strand): 5'-TATACCACTCAACGCTTTCAAACTGCTGTCGCTCATATGGTTTATATTTGCGTAAGATTT[C>A]GAGCAGTTTGATTACTTTAGGAGTTACAAATTTCAGGTCAAGTGAGGCAGGTGAGAAGTG-3'

ClinVar aggregate classification (germline): Pathogenic. Review status: criteria provided, multiple submitters, no conflicts (2 of 4 stars). 5 submissions from 5 submitters: Pathogenic (5). Last evaluated 2025-12-01.
ClinVar aggregate classification (somatic clinical impact): Tier I - Strong (1 of 4 stars; one submission).

Conditions:
DICER1-related tumor predisposition. Also called: DICER1-related pleuropulmonary blastoma cancer predisposition syndrome; DICER1 syndrome. Identifiers: Orphanet 284343, MedGen C3839822, MONDO:0100216.
Hereditary cancer-predisposing syndrome. Also called: Tumor predisposition; Hereditary Cancer Syndrome; Neoplastic Syndromes, Hereditary; Hereditary neoplastic syndrome. Identifiers: Orphanet 140162, MedGen C0027672, MeSH D009386, MONDO:0015356.
Euthyroid goiter (MNG1). Also called: GOITER, NONTOXIC, WITH INTRATHYROIDAL CALCIFICATION; Goiter, multinodular 1, with or without Sertoli-Leydig cell tumors; MULTINODULAR GOITER, ADOLESCENT; SIMPLE GOITER. Identifiers: Orphanet 276399, MedGen C0302859, MONDO:0007681, OMIM 138800, HP:0009798.
Embryonal rhabdomyosarcoma (ERMS). Also called: Botryoid rhabdomyosarcoma (type of ERMS); Spindle cell rhabdomyosarcomas (type of ERMS). Identifiers: Orphanet 99757, MedGen C0206656, MONDO:0009993, HP:0006743.

Submissions (6):

3billion
Classification: Pathogenic for Euthyroid goiter. Last evaluated: 2025-12-01. Review status: criteria provided, single submitter. Criteria: ACMG Guidelines, 2015. Collection method: clinical testing. Allele origin: germline. Affected: yes.
Comment: The variant is not observed in the gnomAD v4.1.0 dataset. Predicted Consequence/Location: Stop-gained (nonsense): predicted to result in a loss or disruption of normal protein function through nonsense-mediated decay (NMD) or protein truncation. Multiple pathogenic variants are reported downstream of the variant. The variant has been reported at least twice as pathogenic with clinical assertions and evidence for the classification (ClinVar ID: VCV000254283 /PMID: 26925222). Therefore, this variant is classified as Pathogenic according to the recommendation of ACMG/AMP guideline.

Labcorp Genetics (formerly Invitae), Labcorp
Classification: Pathogenic for DICER1-related tumor predisposition. Last evaluated: 2024-06-21. Review status: criteria provided, single submitter. Criteria: Invitae Variant Classification Sherloc (09022015). Collection method: clinical testing. Allele origin: germline.
Comment: This sequence change creates a premature translational stop signal (p.Glu382*) in the DICER1 gene. It is expected to result in an absent or disrupted protein product. Loss-of-function variants in DICER1 are known to be pathogenic (PMID: 19556464, 21266384). This variant is not present in population databases (gnomAD no frequency). This premature translational stop signal has been observed in individual(s) with pleuropulmonary blastoma (PMID: 26925222). ClinVar contains an entry for this variant (Variation ID: 254283). For these reasons, this variant has been classified as Pathogenic.

Institute for Genomic Medicine (IGM) Clinical Laboratory, Nationwide Children's Hospital
Classification: Tier I - Strong for Embryonal rhabdomyosarcoma. Assertion type: diagnostic. Clinical significance: supports diagnosis. Last evaluated: 2022-09-30. Review status: criteria provided, single submitter. Criteria: AMP/ASCO/CAP Guidelines, 2017. Collection method: clinical testing. Allele origin: somatic. Affected: yes.
Comment: Variant has Tier I (strong) clinical significance as a diagnostic inclusion criterion in embryonal rhabdomyosarcoma, based on the following evidence: 1) Appears in one or more well-established professional guidelines (e.g., World Health Organization [WHO]; National Comprehensive Cancer Network [NCCN]) as providing diagnostic, prognostic, or therapeutic information. 2) Information in the literature supports potential biologic effect of variant. 3) Diagnostic for a specific tumor type/classification according to professional guidelines (Evidence Level A). 4) Assists in diagnosis alone or along with other biomarkers based on small studies or few case reports (Evidence Level D; PMIDs: 26925222, 31990691).

Foulkes Cancer Genetics LDI, Lady Davis Institute for Medical Research
Classification: Pathogenic for Pleuropulmonary blastoma. Last evaluated: 2019-07-01. Review status: criteria provided, single submitter. Criteria: ACMG Guidelines, 2015. Collection method: curation. Allele origin: germline. Affected: yes. Observed: 1 variant allele.
Comment: ACMG criteria met: PVS1, PM2, PP4

International Pleuropulmonary Blastoma Registry, Children's Hospitals and Clinics of Minnesota
Classification: Pathogenic for Pleuropulmonary blastoma. Last evaluated: 2014-11-10. Review status: criteria provided, single submitter. Criteria: Hill et al. (Science. 2009). Collection method: clinical testing. Allele origin: germline. Affected: yes. Study: PPB-DICER1 Genetic study.

Ambry Genetics
Classification: Pathogenic for Hereditary cancer-predisposing syndrome. Last evaluated: 2011-11-09. Review status: criteria provided, single submitter. Criteria: Ambry Autosomal Dominant and X-Linked criteria (10/2015). Collection method: clinical testing. Allele origin: germline. Observed: 1 variant allele.
Comment: This alteration is expected to result in loss of function by premature protein truncation or nonsense-mediatedâ€¯mRNAâ€¯decay.â€¯As such, this alteration is interpreted as a disease-causing mutation.

Literature cited by the submitters: PubMed 26925222 (cited by 5 submitters); PubMed 19556464 (cited by Labcorp Genetics (formerly Invitae), Labcorp); PubMed 21266384 (cited by Labcorp Genetics (formerly Invitae), Labcorp); PubMed 31990691 (cited by Institute for Genomic Medicine (IGM) Clinical Laboratory, Nationwide Children's Hospital).